The following is an entry in ClinVar:

ClinVar aggregate classification (germline): Conflicting classifications of pathogenicity. Review status: criteria provided, conflicting classifications (1 of 4 stars). 5 submissions from 5 submitters: Uncertain significance (2); Likely benign (2). 1 of the submissions does not count toward it. Last evaluated 2025-07-31.

Conditions:
Inborn genetic diseases. Identifiers: MedGen C0950123, MeSH D030342.
ASPM-related disorder. Also called: ASPM-related condition.
Microcephaly 5, primary, autosomal recessive (MCPH5). Also called: ASPM Primary Microcephaly. Identifiers: Orphanet 2512, MedGen C1837501, MONDO:0012106, OMIM 608716.

Allele frequency attached by ClinVar (database versions not stated): TOPMed 0.00006; gnomAD 0.00011 and 0.00013; ExAC 0.00023; 1000 Genomes Project 30x 0.00031; 1000 Genomes Project 0.00040.

Submissions (5):

Labcorp Genetics (formerly Invitae), Labcorp
Classification: Likely benign. Last evaluated: 2025-07-31. Review status: criteria provided, single submitter. Criteria: Invitae Variant Classification Sherloc (09022015). Collection method: clinical testing. Allele origin: germline.

GeneDx
Classification: Uncertain significance. Last evaluated: 2024-05-29. Review status: criteria provided, single submitter. Criteria: GeneDx Variant Classification Process June 2021. Collection method: clinical testing. Allele origin: germline. Affected: yes.
Comment: In silico analysis indicates that this missense variant does not alter protein structure/function; Has not been previously published as pathogenic or benign to our knowledge

Ambry Genetics
Classification: Likely benign for Inborn genetic diseases. Last evaluated: 2024-03-20. Review status: criteria provided, single submitter. Criteria: Ambry Variant Classification Scheme 2023. Collection method: clinical testing. Allele origin: germline.

Genetic Services Laboratory, University of Chicago
Classification: Uncertain significance for Microcephaly 5, primary, autosomal recessive. Last evaluated: 2014-06-27. Review status: criteria provided, single submitter. Criteria: ACMG Guidelines, 2015. Collection method: clinical testing. Allele origin: germline. Inheritance: Autosomal recessive inheritance.

PreventionGenetics, part of Exact Sciences
Classification: Likely benign for ASPM-related condition. Last evaluated: 2023-04-25. Review status: no assertion criteria provided. Collection method: clinical testing. Allele origin: germline. Not counted in ClinVar's aggregate classification.
Comment: This variant is classified as likely benign based on ACMG/AMP sequence variant interpretation guidelines (Richards et al. 2015 PMID: 25741868, with internal and published modifications).

NM_018136.5(ASPM):c.5846A>G (p.His1949Arg)

Gene: ASPM (assembly factor for spindle microtubules; minus strand). Cytogenetic location: 1q31.3.
Variant type: single nucleotide variant.
Coding change: c.5846A>G on transcript NM_018136.5 (MANE Select); coding-DNA position 5846, A replaced by G.
Protein change: p.His1949Arg; replaces histidine 1949 with arginine.
Molecular consequence: missense variant. On other transcripts: intron variant (1).
Genome position (GRCh38, 1-based): chr1:197,103,405, T>C on the plus strand (A>G on the coding strand, the complement: ASPM is on the minus strand). VCF-style: chr1-197103405-T-C. GRCh37 (hg19) VCF-style: chr1-197072535-T-C.
Other names: c.4066-7241A>G (NM_001206846.2); short protein forms H1949R.
Identifiers: ClinVar variation 157842 (VCV000157842.21), dbSNP rs186663906, ClinGen allele CA271067.